The following is an entry in ClinVar:

NM_000077.5(CDKN2A):c.416G>T (p.Gly139Val)

Gene: CDKN2A (cyclin dependent kinase inhibitor 2A; minus strand). Cytogenetic location: 9p21.3.
Variant type: single nucleotide variant.
Coding change: c.416G>T on transcript NM_000077.5; coding-DNA position 416, G replaced by T.
Protein change: p.Gly139Val; replaces glycine 139 with valine.
Molecular consequence: missense variant (on NM_000077.6). On other transcripts: 3 prime UTR variant (2).
Genome position (GRCh38, 1-based): chr9:21,970,943, C>A on the plus strand (G>T on the coding strand, the complement: CDKN2A is on the minus strand). VCF-style: chr9-21970943-C-A. GRCh37 (hg19) VCF-style: chr9-21970942-C-A.
Other names: c.416G>T, p.Gly139Val (NM_000077.6, NM_001195132.2); c.263G>T, p.Gly88Val (NM_001363763.2); c.*60G>T (NM_058195.4); c.*339G>T (NM_058197.5); short protein forms G88V, G139V.
Identifiers: ClinVar variation 2172999 (VCV002172999.5), dbSNP rs149937815, ClinGen allele CA373085884.
Genomic context (GRCh38, chr9:21,970,943, plus strand): 5'-TCAGATCATCAGTCCTCACCTGAGGGACCTTCCGCGGCATCTATGCGGGCATGGTTACTG[C>A]CTCTGGTGCCCCCCGCAGCCGCGCGCAGGTACCGTGCGACATCGCGATGGCCCAGCTCCT-3'
Protein context (NP_000068.1, residues 129-149): YLRAAAGGTR[Gly139Val]SNHARIDAAE

ClinVar aggregate classification (germline): Uncertain significance. Review status: criteria provided, multiple submitters, no conflicts (2 of 4 stars). 2 submissions from 2 submitters: Uncertain significance (2). Last evaluated 2026-02-06.

Conditions:
Familial melanoma. Also called: Hereditary melanoma; Hereditary cutaneous melanoma. Identifiers: Orphanet 618, MedGen C1512419, MONDO:0018961.
Hereditary cancer-predisposing syndrome. Also called: Hereditary Cancer Syndrome; Neoplastic Syndromes, Hereditary; Tumor predisposition; Hereditary neoplastic syndrome. Identifiers: Orphanet 140162, MedGen C0027672, MeSH D009386, MONDO:0015356.

gnomAD v4.1: 1 of 1,612,280 alleles (0.000062%); no homozygotes.

Submissions (2):

Ambry Genetics
Classification: Uncertain significance for Hereditary cancer-predisposing syndrome. Last evaluated: 2026-02-06. Review status: criteria provided, single submitter. Criteria: Ambry Variant Classification Scheme 2023. Collection method: clinical testing. Allele origin: germline.
Comment: The p.G139V variant (also known as c.416G>T), located in coding exon 2 of the CDKN2A gene, results from a G to T substitution at nucleotide position 416. Of note, this variant is also known as c.*60G>T in the p14(ARF) isoform. The glycine at codon 139 is replaced by valine, an amino acid with dissimilar properties. This amino acid position is well conserved in available vertebrate species. In addition, this alteration is predicted to be tolerated by in silico analysis. Based on the available evidence, the clinical significance of this variant remains unclear.

Labcorp Genetics (formerly Invitae), Labcorp
Classification: Uncertain significance for Familial melanoma. Last evaluated: 2022-03-28. Review status: criteria provided, single submitter. Criteria: Invitae Variant Classification Sherloc (09022015). Collection method: clinical testing. Allele origin: germline.
Comment: In summary, the available evidence is currently insufficient to determine the role of this variant in disease. Therefore, it has been classified as a Variant of Uncertain Significance. Algorithms developed to predict the effect of missense changes on protein structure and function are either unavailable or do not agree on the potential impact of this missense change (SIFT: "Deleterious"; PolyPhen-2: "Benign"; Align-GVGD: "Class C0"). This variant has not been reported in the literature in individuals affected with CDKN2A (p16INK4a)-related conditions. This variant is not present in population databases (gnomAD no frequency). This sequence change replaces glycine, which is neutral and non-polar, with valine, which is neutral and non-polar, at codon 139 of the CDKN2A (p16INK4a) protein (p.Gly139Val).